The following is an entry in ClinVar:

ClinVar aggregate classification (germline): Uncertain significance (1 of 4 stars; one submission).

Conditions:
Familial intrahepatic cholestasis. Identifiers: Orphanet 284385, MedGen CN296401, MONDO:0017290.

gnomAD v4.1: 1 of 1,613,752 alleles (0.000062%); highest among the groups gnomAD compares: Non-Finnish European, 0.000085%; no homozygotes.

Submission:

Genomenon, Inc
Classification: Uncertain significance for Familial intrahepatic cholestasis. Last evaluated: 2026-04-14. Review status: criteria provided, single submitter. Criteria: Genomenon Sequence Variant Interpretation Standards - Updated. Collection method: curation. Allele origin: germline. Affected: yes.
Comment: ABCB4 p.Gly457Arg (c.1369G>A) is a missense variant that changes the amino acid at residue 457 from Glycine to Arginine. This variant has been observed in at least one proband with an ABCB4-related disorder (PMID:37697751). It is absent or not present at a significant frequency in gnomAD. In silico models predict that this variant is possibly or probably damaging. In conclusion, we classify ABCB4 p.Gly457Arg (c.1369G>A) as a variant of uncertain significance.

Literature cited by the submitters: PubMed 37697751.

NM_000443.4(ABCB4):c.1369G>A (p.Gly457Arg)

Gene: ABCB4 (ATP binding cassette subfamily B member 4; minus strand). Cytogenetic location: 7q21.12.
Variant type: single nucleotide variant.
Coding change: c.1369G>A on transcript NM_000443.4 (MANE Select); coding-DNA position 1369, G replaced by A.
Protein change: p.Gly457Arg; replaces glycine 457 with arginine.
Molecular consequence: missense variant.
Genome position (GRCh38, 1-based): chr7:87,440,390, C>T on the plus strand (G>A on the coding strand, the complement: ABCB4 is on the minus strand). VCF-style: chr7-87440390-C-T. GRCh37 (hg19) VCF-style: chr7-87069706-C-T.
Other names: c.1369G>A, p.Gly457Arg (NM_018849.3, NM_018850.3); short protein forms G457R.
Identifiers: ClinVar variation 4846472 (VCV004846472.1).